The following is an entry in ClinVar:

NM_015570.4(AUTS2):c.466C>A (p.Arg156Ser)

Gene: AUTS2 (activator of transcription and developmental regulator AUTS2; plus strand). Cytogenetic location: 7q11.22.
Variant type: single nucleotide variant.
Coding change: c.466C>A on transcript NM_015570.4 (MANE Select); coding-DNA position 466, C replaced by A.
Protein change: p.Arg156Ser; replaces arginine 156 with serine.
Molecular consequence: missense variant.
Genome position (GRCh38, 1-based): chr7:69,899,442, C>A. VCF-style: chr7-69899442-C-A. GRCh37 (hg19) VCF-style: chr7-69364428-C-A.
Other names: c.466C>A, p.Arg156Ser (NM_001127231.3, NM_001127232.3); short protein forms R156S.
Identifiers: ClinVar variation 1810676 (VCV001810676.1), dbSNP rs772682261, ClinGen allele CA4280307.
Genomic context (GRCh38, chr7:69,899,442, plus strand): 5'-CATTCAAAGAAGAGCAGACTCAGCCACCCACACCACTACAGCTCAGATCGAGAAAATGAC[C>A]GCAATCTCTGCCAGCACCTTGGGAAGAGAAAGAAAATGCCGAAGGCACTCAGACAGGTGA-3'
Protein context (NP_056385.1, residues 146-166): HHYSSDREND[Arg156Ser]NLCQHLGKRK

ClinVar aggregate classification (germline): Uncertain significance (1 of 4 stars; one submission).

gnomAD v4.1: 1 of 1,613,948 alleles (0.000062%); highest among the groups gnomAD compares: Non-Finnish European, 0.000085%; no homozygotes.

Submission:

GeneDx
Classification: Uncertain significance. Last evaluated: 2022-07-08. Review status: criteria provided, single submitter. Criteria: GeneDx Variant Classification Process June 2021. Collection method: clinical testing. Allele origin: germline. Affected: yes.
Comment: In silico analysis supports that this missense variant does not alter protein structure/function; Has not been previously published as pathogenic or benign to our knowledge